The following is an entry in ClinVar:

NM_001018115.3(FANCD2):c.3302G>C (p.Gly1101Ala)

Genes: FANCD2 (FA complementation group D2; plus strand), FANCD2OS (FANCD2 opposite strand; minus strand). Cytogenetic location: 3p25.3.
Variant type: single nucleotide variant.
Coding change: c.3302G>C on transcript NM_001018115.3 (MANE Select); coding-DNA position 3302, G replaced by C.
Protein change: p.Gly1101Ala; replaces glycine 1101 with alanine.
Molecular consequence: missense variant. On other transcripts: intron variant (1).
Genome position (GRCh38, 1-based): chr3:10,085,889, G>C. VCF-style: chr3-10085889-G-C. GRCh37 (hg19) VCF-style: chr3-10127573-G-C.
Other names: c.3302G>C, p.Gly1101Ala (NM_001319984.2, NM_001374254.1, NM_033084.6); c.3191G>C, p.Gly1064Ala (NM_001374253.1); c.*44-4358C>G (NM_173472.2); short protein forms G1064A, G1101A.
Identifiers: ClinVar variation 3605837 (VCV003605837.2).
Genomic context (GRCh38, chr3:10,085,889, plus strand): 5'-CTGAAAATCAGAATTTACTGTATTCAGCCCTCCATGTCCTTAGTAGCCGACTGAAACAGG[G>C]AGAACACAGCCAGCCTTTGGAGGAACTACTCAGGTGAGTCATAACTACATAGCCAAGATT-3'
Protein context (NP_001018125.1, residues 1091-1111): LHVLSSRLKQ[Gly1101Ala]EHSQPLEELL

ClinVar aggregate classification (germline): Uncertain significance (1 of 4 stars; one submission).

Conditions:
Fanconi anemia (FA). Also called: Fanconi's anemia. Identifiers: Orphanet 84, MedGen C0015625, MeSH D005199, MONDO:0019391.

gnomAD v4.1: 1 of 1,613,548 alleles (0.000062%); no homozygotes.

Submission:

Labcorp Genetics (formerly Invitae), Labcorp
Classification: Uncertain significance for Fanconi anemia. Last evaluated: 2025-12-02. Review status: criteria provided, single submitter. Criteria: Invitae Variant Classification Sherloc (09022015). Collection method: clinical testing. Allele origin: germline.
Comment: This sequence change replaces glycine, which is neutral and non-polar, with alanine, which is neutral and non-polar, at codon 1101 of the FANCD2 protein (p.Gly1101Ala). This variant is present in population databases (rs55861547, gnomAD 0.006%). This variant has not been reported in the literature in individuals affected with FANCD2-related conditions. ClinVar contains an entry for this variant (Variation ID: 3605837). Invitae Evidence Modeling of protein sequence and biophysical properties (such as structural, functional, and spatial information, amino acid conservation, physicochemical variation, residue mobility, and thermodynamic stability) indicates that this missense variant is not expected to disrupt FANCD2 protein function with a negative predictive value of 80%. In summary, the available evidence is currently insufficient to determine the role of this variant in disease. Therefore, it has been classified as a Variant of Uncertain Significance.